The following is an entry in ClinVar:

NM_001754.5(RUNX1):c.268G>A (p.Val90Met)

Gene: RUNX1 (RUNX family transcription factor 1; minus strand). Cytogenetic location: 21q22.12.
Variant type: single nucleotide variant.
Coding change: c.268G>A on transcript NM_001754.5 (MANE Select); coding-DNA position 268, G replaced by A.
Protein change: p.Val90Met; replaces valine 90 with methionine.
Molecular consequence: missense variant.
Genome position (GRCh38, 1-based): chr21:34,886,926, C>T on the plus strand (G>A on the coding strand, the complement: RUNX1 is on the minus strand). VCF-style: chr21-34886926-C-T. GRCh37 (hg19) VCF-style: chr21-36259223-C-T.
Other names: NM_001754.5(RUNX1):c.268G>A; p.Val90Met; c.187G>A, p.Val63Met (NM_001001890.3, NM_001122607.2); short protein forms V90M, V63M.
Identifiers: ClinVar variation 946753 (VCV000946753.9), dbSNP rs2057999447, ClinGen allele CA410203747.
Genomic context (GRCh38, chr21:34,886,926, plus strand): 5'-TGTTGCAGCGCCAGTGCGTAGGCAGCACGGAGCAGAGGAAGTTGGGGCTGTCGGTGCGCA[C>T]CAGCTCGCCCGGGTGGTCGGCCAGCACCTCCACCATGCTGCGGTCGCCGCTCCTCAGCTT-3'
Protein context (NP_001745.2, residues 80-100): EVLADHPGEL[Val90Met]RTDSPNFLCS

ClinVar aggregate classification (germline): Uncertain significance. Review status: reviewed by expert panel (3 of 4 stars). 3 submissions from 3 submitters: Uncertain significance (1). 2 of the submissions do not count toward it. Last evaluated 2023-11-13.

Conditions:
Hereditary thrombocytopenia and hematologic cancer predisposition syndrome. Identifiers: Orphanet 71290, MedGen CN281654, MONDO:0011071.
Acute myeloid leukemia (AML). Also called: Acute myeloid leukemia, adult; AML adult; Acute non-lymphocytic leukemia; Acute granulocytic leukemia; Leukemia, acute myelogenous, somatic; Leukemia, acute myeloid, somatic. Identifiers: Orphanet 519, MedGen C0023467, MeSH D015470, MONDO:0018874, OMIM 601626, HP:0004808. Disease mechanism: Constitutively activated FLT3.
Hereditary thrombocytopenia and hematological cancer predisposition syndrome associated with RUNX1. Also called: Familial Platelet Disorder with Propensity to Acute Myelogenous Leukemia; Familial thrombocytopenia with propensity to acute myelogenous leukemia; PLATELET DISORDER, ASPIRIN-LIKE; RUNX1 Familial Platelet Disorder with Associated Myeloid Malignancies. Identifiers: Orphanet 71290, MedGen C1832388, MeSH C563324, MONDO:0100083, OMIM 601399.

Allele frequency attached by ClinVar (database versions not stated): TOPMed 0.00001.

Submissions (3):

ClinGen Myeloid Malignancy Variant Curation Expert Panel
Classification: Uncertain significance for Hereditary thrombocytopenia and hematologic cancer predisposition syndrome. Last evaluated: 2023-11-13. Review status: reviewed by expert panel. Criteria: ClinGen MyeloMalig ACMG Specifications v2. Collection method: curation. Allele origin: germline. Inheritance: Autosomal dominant inheritance.
Comment: In summary, the clinical significance of this variant is uncertain. ACMG/AMP criteria applied, as specified by the Myeloid Malignancy Variant Curation Expert Panel for RUNX1: PM2_Supporting, PM1_Supporting.

Labcorp Genetics (formerly Invitae), Labcorp
Classification: Uncertain significance for Hereditary thrombocytopenia and hematological cancer predisposition syndrome associated with RUNX1. Last evaluated: 2025-11-28. Review status: criteria provided, single submitter. Criteria: Invitae Variant Classification Sherloc (09022015). Collection method: clinical testing. Allele origin: germline. Not counted in ClinVar's aggregate classification.
Comment: This sequence change replaces valine, which is neutral and non-polar, with methionine, which is neutral and non-polar, at codon 90 of the RUNX1 protein (p.Val90Met). This variant is not present in population databases (gnomAD no frequency). This missense change has been observed in individual(s) with clinical features of RUNX1-related conditions (PMID: 35776903). ClinVar contains an entry for this variant (Variation ID: 946753). Invitae Evidence Modeling of protein sequence and biophysical properties (such as structural, functional, and spatial information, amino acid conservation, physicochemical variation, residue mobility, and thermodynamic stability) has been performed for this missense variant. However, the output from this modeling did not meet the statistical confidence thresholds required to predict the impact of this variant on RUNX1 protein function. In summary, the available evidence is currently insufficient to determine the role of this variant in disease. Therefore, it has been classified as a Variant of Uncertain Significance.

Baylor Genetics
Classification: Uncertain significance for Acute myeloid leukemia. Last evaluated: 2024-03-08. Review status: criteria provided, single submitter. Criteria: ACMG Guidelines, 2015. Collection method: clinical testing. Allele origin: unknown. Not counted in ClinVar's aggregate classification.

Literature cited by the submitters: PubMed 35776903 (cited by Labcorp Genetics (formerly Invitae), Labcorp).